The following is an entry in ClinVar:

NM_001005498.4(RHBDF2):c.1115_1115+130dup

Gene: RHBDF2 (rhomboid 5 homolog 2; minus strand). Cytogenetic location: 17q25.1.
Variant type: Duplication.
Coding change: c.1115_1115+130dup on transcript NM_001005498.4 (MANE Select); coding-DNA position 1115 through 130 bases into the intron after coding-DNA position 1115, 131 bases duplicated.
Molecular consequence: splice donor variant.
Genome position (GRCh38, 1-based): chr17:76,476,700-76,476,830, 131 bases duplicated. GRCh37 (hg19): chr17:74,472,782-74,472,912.
Other names: c.1202_1202+130dup (NM_024599.5); c.1115_1115+130dup (NM_001376230.1, NM_001376228.1, NM_001376229.1).
Identifiers: ClinVar variation 3659606 (VCV003659606.2).

ClinVar aggregate classification (germline): Uncertain significance (1 of 4 stars; one submission).

Submission:

Labcorp Genetics (formerly Invitae), Labcorp
Classification: Uncertain significance. Last evaluated: 2024-07-16. Review status: criteria provided, single submitter. Criteria: Invitae Variant Classification Sherloc (09022015). Collection method: clinical testing. Allele origin: germline.
Comment: This sequence change falls in intron 9 of the RHBDF2 gene. It does not directly change the encoded amino acid sequence of the RHBDF2 protein. This variant is not present in population databases (gnomAD no frequency). This variant has not been reported in the literature in individuals affected with RHBDF2-related conditions. Experimental studies and prediction algorithms are not available or were not evaluated, and the effect of this variant on mRNA splicing is currently unknown. In summary, the available evidence is currently insufficient to determine the role of this variant in disease. Therefore, it has been classified as a Variant of Uncertain Significance.